The following is an entry in ClinVar:

ClinVar aggregate classification (germline): Uncertain significance (1 of 4 stars; one submission).

Allele frequency attached by ClinVar (database versions not stated): ExAC 0.00001; gnomAD 0.00001; gnomAD exomes 0.00001; TOPMed 0.00001.
gnomAD v4.1: 10 of 1,604,862 alleles (0.00062%); highest among the groups gnomAD compares: Non-Finnish European, 0.00085%; no homozygotes.

Submission:

Labcorp Genetics (formerly Invitae), Labcorp
Classification: Uncertain significance. Last evaluated: 2025-05-22. Review status: criteria provided, single submitter. Criteria: Invitae Variant Classification Sherloc (09022015). Collection method: clinical testing. Allele origin: germline.
Comment: This sequence change replaces alanine, which is neutral and non-polar, with threonine, which is neutral and polar, at codon 1107 of the ADGRV1 protein (p.Ala1107Thr). The frequency data for this variant in the population databases is considered unreliable, as metrics indicate poor data quality at this position in the gnomAD database. This variant has not been reported in the literature in individuals affected with ADGRV1-related conditions. ClinVar contains an entry for this variant (Variation ID: 1917852). Invitae Evidence Modeling of protein sequence and biophysical properties (such as structural, functional, and spatial information, amino acid conservation, physicochemical variation, residue mobility, and thermodynamic stability) indicates that this missense variant is not expected to disrupt ADGRV1 protein function with a negative predictive value of 95%. In summary, the available evidence is currently insufficient to determine the role of this variant in disease. Therefore, it has been classified as a Variant of Uncertain Significance.

NM_032119.4(ADGRV1):c.3319G>A (p.Ala1107Thr)

Gene: ADGRV1 (adhesion G protein-coupled receptor V1; plus strand). Cytogenetic location: 5q14.3.
Variant type: single nucleotide variant.
Coding change: c.3319G>A on transcript NM_032119.4 (MANE Select); coding-DNA position 3319, G replaced by A.
Protein change: p.Ala1107Thr; replaces alanine 1107 with threonine.
Molecular consequence: missense variant. On other transcripts: non-coding transcript variant (1).
Genome position (GRCh38, 1-based): chr5:90,651,633, G>A. VCF-style: chr5-90651633-G-A. GRCh37 (hg19) VCF-style: chr5-89947450-G-A.
Other names: short protein forms A1107T.
Identifiers: ClinVar variation 1917852 (VCV001917852.3), dbSNP rs763788734, ClinGen allele CA3339159.
Genomic context (GRCh38, chr5:90,651,633, plus strand): 5'-TGTTATTTTGTCTTTTCCACTTTTAATTTAGGTGATACAGTAGTATATCAATATGGAGTA[G>A]CTACAGTAATAATTGAAGCTAATGATGACCCAAATGGCATTTTTTCTCTGGAGCCCATAG-3'
Protein context (NP_115495.3, residues 1097-1117): GDTVVYQYGV[Ala1107Thr]TVIIEANDDP